The following is an entry in ClinVar:

ClinVar aggregate classification (germline): Uncertain significance. Review status: criteria provided, multiple submitters, no conflicts (2 of 4 stars). 2 submissions from 2 submitters: Uncertain significance (2). Last evaluated 2022-04-26.

Conditions:
Tumor predisposition syndrome 3 (TPDS3). Also called: Glioma susceptibility 9; LONG TELOMERE SYNDROME, POT1-RELATED; POT1 Tumor Predisposition; Melanoma, cutaneous malignant, susceptibility to, 10. Identifiers: Orphanet 618, MedGen C4014476, MONDO:0014368, OMIM 615848.

Submissions (2):

GeneDx
Classification: Uncertain significance. Last evaluated: 2022-04-26. Review status: criteria provided, single submitter. Criteria: GeneDx Variant Classification Process June 2021. Collection method: clinical testing. Allele origin: germline. Affected: yes.
Comment: Not observed at significant frequency in large population cohorts (gnomAD); In silico analysis supports that this missense variant has a deleterious effect on protein structure/function; Has not been previously published as pathogenic or benign to our knowledge; This variant is associated with the following publications: (PMID: 28393830)

Labcorp Genetics (formerly Invitae), Labcorp
Classification: Uncertain significance for Tumor predisposition syndrome 3. Last evaluated: 2021-12-13. Review status: criteria provided, single submitter. Criteria: Invitae Variant Classification Sherloc (09022015). Collection method: clinical testing. Allele origin: germline.
Comment: This variant is not present in population databases (gnomAD no frequency). This sequence change replaces glycine, which is neutral and non-polar, with serine, which is neutral and polar, at codon 268 of the POT1 protein (p.Gly268Ser). This variant has not been reported in the literature in individuals affected with POT1-related conditions. Algorithms developed to predict the effect of missense changes on protein structure and function (SIFT, PolyPhen-2, Align-GVGD) all suggest that this variant is likely to be disruptive. In summary, the available evidence is currently insufficient to determine the role of this variant in disease. Therefore, it has been classified as a Variant of Uncertain Significance.

NM_015450.3(POT1):c.802G>A (p.Gly268Ser)

Gene: POT1 (protection of telomeres 1; minus strand). Cytogenetic location: 7q31.33.
Variant type: single nucleotide variant.
Coding change: c.802G>A on transcript NM_015450.3 (MANE Select); coding-DNA position 802, G replaced by A.
Protein change: p.Gly268Ser; replaces glycine 268 with serine.
Molecular consequence: missense variant. On other transcripts: non-coding transcript variant (3).
Genome position (GRCh38, 1-based): chr7:124,853,039, C>T on the plus strand (G>A on the coding strand, the complement: POT1 is on the minus strand). VCF-style: chr7-124853039-C-T. GRCh37 (hg19) VCF-style: chr7-124493093-C-T.
Other names: c.409G>A, p.Gly137Ser (NM_001042594.2); short protein forms G137S, G268S.
Identifiers: ClinVar variation 1712758 (VCV001712758.7), dbSNP rs2116504760, ClinGen allele CA369055400.